The following is an entry in ClinVar:

NM_001048174.2(MUTYH):c.1467del (p.Pro488_Cys489insTer)

Gene: MUTYH (mutY DNA glycosylase; minus strand). Cytogenetic location: 1p34.1.
Variant type: Deletion.
Coding change: c.1467del on transcript NM_001048174.2 (MANE Select); coding-DNA position 1467, one base deleted (C; older notation c.1467delC).
Protein change: p.Pro488_Cys489insTer.
Molecular consequence: nonsense. On other transcripts: frameshift variant (19), non-coding transcript variant (2).
Genome position (GRCh38, 1-based): chr1:45,329,405, G deleted on the plus strand (C on the coding strand, the reverse complement: MUTYH is on the minus strand). VCF-style (leftmost placement, unchanged base first): chr1-45329404-TG-T. GRCh37 (hg19) VCF-style: chr1-45795076-TG-T.
Other names: c.1467del, p.Pro488_Cys489insTer (NM_001048171.2, NM_001048173.2, NM_001293195.2); c.1470del, p.Pro489_Cys490insTer (NM_001048172.2); c.1551del, p.Pro516_Cys517insTer (NM_001128425.2); c.1512del, p.Pro503_Cys504insTer (NM_001293190.2); c.1500del, p.Pro499_Cys500insTer (NM_001293191.2); c.1191del, p.Pro396_Cys397insTer (NM_001293192.2, NM_001293196.2); c.1122del, p.Pro373_Cys374insTer (NM_001350650.2, NM_001350651.2); c.1500delC, p.Cys500Terfs (NM_001407069.1, NM_001407077.1); and 10 more.
Identifiers: ClinVar variation 1775070 (VCV001775070.5), dbSNP rs2523747340, ClinGen allele CA2580062913.

ClinVar aggregate classification (germline): Conflicting classifications of pathogenicity. Review status: criteria provided, conflicting classifications (1 of 4 stars). 2 submissions from 2 submitters: Likely pathogenic (1); Uncertain significance (1). Last evaluated 2026-04-10.

Conditions:
Hereditary cancer-predisposing syndrome. Also called: Neoplastic Syndromes, Hereditary; Tumor predisposition; Hereditary Cancer Syndrome; Hereditary neoplastic syndrome. Identifiers: Orphanet 140162, MedGen C0027672, MeSH D009386, MONDO:0015356.
Familial adenomatous polyposis 2. Also called: COLORECTAL ADENOMATOUS POLYPOSIS, AUTOSOMAL RECESSIVE; ADENOMAS, MULTIPLE COLORECTAL, AUTOSOMAL RECESSIVE; MUTYH-associated polyposis; MYH-associated polyposis; MUTYH-related attenuated familial adenomatous polyposis; FAP type 2. Identifiers: Orphanet 220460, Orphanet 247798, MedGen C3272841, MONDO:0012041, OMIM 608456.

Submissions (2):

Ambry Genetics
Classification: Uncertain significance for Hereditary cancer-predisposing syndrome. Last evaluated: 2026-04-10. Review status: criteria provided, single submitter. Criteria: Ambry Variant Classification Scheme 2023. Collection method: clinical testing. Allele origin: germline.
Comment: The c.1551delC variant, located in coding exon 16 of the MUTYH gene, results from a deletion of one nucleotide at nucleotide position 1551, causing a translational frameshift with a predicted alternate stop codon (p.C517*). This variant occurs at the 3' terminus of the gene, is not expected to trigger nonsense-mediated mRNAdecay, and impacts the last 6.0% of the protein. The exact functional effect of this variant is unknown. Based on internal structural analysis, C517* deletes the PCNA binding motif (QQVLDNFF) at amino acid positions 526 to 533 and is deleterious (Parker A et al. J Biol Chem, 2001 Feb;276:5547-55; Chang DY et al. J Biol Chem, 2002 Apr;277:11853-8; Ambry internal data). Based on the available evidence, the clinical significance of this variant remains unclear.

Labcorp Genetics (formerly Invitae), Labcorp
Classification: Likely pathogenic for Familial adenomatous polyposis 2. Last evaluated: 2024-07-25. Review status: criteria provided, single submitter. Criteria: Invitae Variant Classification Sherloc (09022015). Collection method: clinical testing. Allele origin: germline.
Comment: This sequence change creates a premature translational stop signal (p.Cys517*) in the MUTYH gene. While this is not anticipated to result in nonsense mediated decay, it is expected to disrupt the last 33 amino acid(s) of the MUTYH protein. This variant is not present in population databases (gnomAD no frequency). This premature translational stop signal has been observed in individual(s) with colorectal cancer (PMID: 35904628). ClinVar contains an entry for this variant (Variation ID: 1775070). This variant disrupts the conserved PCNA binding motif of the MUTYH protein, which has been shown to be critical for MUTYH-PCNA binding and repair efficiency (PMID: 11092888, 26377631, 11433026, 11864576). While functional studies have not been performed to directly test the effect of this variant on MUTYH protein function, this suggests that disruption of this region of the protein is causative of disease. In summary, the currently available evidence indicates that the variant is pathogenic, but additional data are needed to prove that conclusively. Therefore, this variant has been classified as Likely Pathogenic.

Literature cited by the submitters: PubMed 11092888 (cited by Ambry Genetics and Labcorp Genetics (formerly Invitae), Labcorp); PubMed 35904628 (cited by Labcorp Genetics (formerly Invitae), Labcorp); PubMed 26377631 (cited by Labcorp Genetics (formerly Invitae), Labcorp); PubMed 11433026 (cited by Labcorp Genetics (formerly Invitae), Labcorp); PubMed 11864576 (cited by Labcorp Genetics (formerly Invitae), Labcorp).